The following is an entry in ClinVar:

NM_001110556.2(FLNA):c.148dup (p.Thr50fs)

Gene: FLNA (filamin A; minus strand). Cytogenetic location: Xq28.
Variant type: Duplication.
Coding change: c.148dup on transcript NM_001110556.2 (MANE Select); coding-DNA position 148, one base duplicated (A; older notation c.148dupA).
Protein change: p.Thr50fs; shifts the reading frame from threonine 50.
Molecular consequence: frameshift variant.
Genome position (GRCh38, 1-based): chrX:154,371,098, T duplicated on the plus strand (A on the coding strand, the reverse complement: FLNA is on the minus strand). VCF-style (leftmost placement, unchanged base first): chrX-154371097-G-GT. GRCh37 (hg19) VCF-style: chrX-153599465-G-GT.
Other names: c.148dupA (NM_001456.3); c.148dup, p.Thr50fs (NM_001456.4); short protein forms T50fs.
Identifiers: ClinVar variation 432533 (VCV000432533.4), dbSNP rs1557180206, ClinGen allele CA645373328.

ClinVar aggregate classification (germline): Likely pathogenic (1 of 4 stars; one submission).

Submission:

GeneDx
Classification: Likely pathogenic. Last evaluated: 2021-11-22. Review status: criteria provided, single submitter. Criteria: GeneDx Variant Classification Process June 2021. Collection method: clinical testing. Allele origin: germline. Affected: yes.
Comment: Has not been previously published as pathogenic or benign to our knowledge; Not observed at significant frequency in large population cohorts (Lek et al., 2016); Frameshift variant predicted to result in protein truncation or nonsense-mediated decay in a gene for which loss-of-function is a known mechanism of disease